The following is an entry in ClinVar:

NM_004100.5(EYA4):c.*1434A>G

Genes: TARID (TCF21 antisense RNA inducing promoter demethylation; minus strand), EYA4 (EYA transcriptional coactivator and phosphatase 4; plus strand). Cytogenetic location: 6q23.2.
Variant type: single nucleotide variant.
Coding change: c.*1434A>G on transcript NM_004100.5 (MANE Select); 1434 bases downstream of the stop codon, A replaced by G.
Molecular consequence: 3 prime UTR variant.
Genome position (GRCh38, 1-based): chr6:133,530,239, A>G. VCF-style: chr6-133530239-A-G. GRCh37 (hg19) VCF-style: chr6-133851377-A-G.
Other names: c.*1434A>G (NM_001301012.2, NM_001301013.2, NM_001370458.1 and 3 more transcripts).
Identifiers: ClinVar variation 355455 (VCV000355455.8), dbSNP rs9483586, ClinGen allele CA10621476.

ClinVar aggregate classification (germline): Benign. Review status: criteria provided, multiple submitters, no conflicts (2 of 4 stars). 3 submissions from 2 submitters: Benign (3). Last evaluated 2021-05-11.

Conditions:
Dilated cardiomyopathy 1J (CMD1J). Also called: CARDIOMYOPATHY, DILATED, WITH SENSORINEURAL HEARING LOSS, AUTOSOMAL DOMINANT. Identifiers: Orphanet 217622, MedGen C1854368, MONDO:0011541, OMIM 605362.
Autosomal dominant nonsyndromic hearing loss 10. Identifiers: Orphanet 90635, MedGen C1832476, MONDO:0011031, OMIM 601316.

Allele frequency attached by ClinVar (database versions not stated): gnomAD exomes 0.71926; gnomAD 0.79727 and 0.79868; TOPMed 0.79889; 1000 Genomes Project 0.83466; 1000 Genomes Project 30x 0.83760.
gnomAD v4.1: 721,098 of 985,096 alleles (73%); highest among the groups gnomAD compares: African/African-American, 94%; 265,538 homozygotes.

Submissions (3):

GeneDx
Classification: Benign. Last evaluated: 2021-05-11. Review status: criteria provided, single submitter. Criteria: GeneDx Variant Classification Process June 2021. Collection method: clinical testing. Allele origin: germline. Affected: yes.

Illumina Laboratory Services, Illumina
Classification: Benign for Autosomal dominant nonsyndromic hearing loss 10. Last evaluated: 2018-01-13. Review status: criteria provided, single submitter. Criteria: ICSL Variant Classification Criteria 13 December 2019. Collection method: clinical testing. Allele origin: germline.
Comment: This variant was observed in the ICSL laboratory as part of a predisposition screen in an ostensibly healthy population. It had not been previously curated by ICSL or reported in the Human Gene Mutation Database (HGMD: prior to June 1st, 2018), and was therefore a candidate for classification through an automated scoring system. Utilizing variant allele frequency, disease prevalence and penetrance estimates, and inheritance mode, an automated score was calculated to assess if this variant is too frequent to cause the disease. Based on the score and internal cut-off values, a variant classified as benign is not then subjected to further curation. The score for this variant resulted in a classification of benign for this disease.

Illumina Laboratory Services, Illumina
Classification: Benign for Dilated cardiomyopathy 1J. Last evaluated: 2018-01-13. Review status: criteria provided, single submitter. Criteria: ICSL Variant Classification Criteria 13 December 2019. Collection method: clinical testing. Allele origin: germline.
Comment: the same text as in the submission from Illumina Laboratory Services, Illumina above.